The following is an entry in ClinVar:

ClinVar aggregate classification (germline): Uncertain significance (1 of 4 stars; one submission).

Conditions:
Autoimmune lymphoproliferative syndrome, type III caused by mutation in PRKCD. Identifiers: Orphanet 3261, Orphanet 664711, MedGen C3809928, MONDO:8000024, OMIM 615559.

Submission:

Labcorp Genetics (formerly Invitae), Labcorp
Classification: Uncertain significance for Autoimmune lymphoproliferative syndrome, type III caused by mutation in PRKCD. Last evaluated: 2024-10-07. Review status: criteria provided, single submitter. Criteria: Invitae Variant Classification Sherloc (09022015). Collection method: clinical testing. Allele origin: germline.
Comment: This sequence change replaces alanine, which is neutral and non-polar, with valine, which is neutral and non-polar, at codon 163 of the PRKCD protein (p.Ala163Val). This variant is not present in population databases (gnomAD no frequency). This variant has not been reported in the literature in individuals affected with PRKCD-related conditions. ClinVar contains an entry for this variant (Variation ID: 1995561). An algorithm developed to predict the effect of missense changes on protein structure and function (PolyPhen-2) suggests that this variant is likely to be disruptive. In summary, the available evidence is currently insufficient to determine the role of this variant in disease. Therefore, it has been classified as a Variant of Uncertain Significance.

NM_006254.4(PRKCD):c.488C>T (p.Ala163Val)

Gene: PRKCD (protein kinase C delta; plus strand). Cytogenetic location: 3p21.1.
Variant type: single nucleotide variant.
Coding change: c.488C>T on transcript NM_006254.4 (MANE Select); coding-DNA position 488, C replaced by T.
Protein change: p.Ala163Val; replaces alanine 163 with valine.
Molecular consequence: missense variant.
Genome position (GRCh38, 1-based): chr3:53,181,555, C>T. VCF-style: chr3-53181555-C-T. GRCh37 (hg19) VCF-style: chr3-53215571-C-T.
Other names: c.488C>T, p.Ala163Val (NM_001316327.2, NM_001354679.2, NM_001354680.2 and 1 more transcripts); c.545C>T, p.Ala182Val (NM_001354676.2); c.536C>T, p.Ala179Val (NM_001354678.2); short protein forms A179V, A163V, A182V.
Identifiers: ClinVar variation 1995561 (VCV001995561.4), dbSNP rs2471085762, ClinGen allele CA353234310.